The following is an entry in ClinVar:

ClinVar aggregate classification (germline): Uncertain significance. Review status: criteria provided, multiple submitters, no conflicts (2 of 4 stars). 2 submissions from 2 submitters: Uncertain significance (2). Last evaluated 2025-05-13.

Conditions:
Diabetes mellitus, transient neonatal, 3 (TNDM3). Identifiers: Orphanet 99886, MedGen C1864623, MONDO:0012522, OMIM 610582. Disease mechanism: loss of function.
Type 2 diabetes mellitus. Also called: Type II diabetes mellitus. Identifiers: MedGen C0011860, MeSH D003924, MONDO:0005148, OMIM 125853, HP:0005978.
Maturity-onset diabetes of the young type 13. Also called: MODY, TYPE 13. Identifiers: Orphanet 552, MedGen C4225365, MONDO:0014589, OMIM 616329.
Hyperinsulinemic hypoglycemia, familial, 2. Also called: HYPERINSULINEMIC HYPOGLYCEMIA, PERSISTENT; HYPERINSULINISM, NEONATAL. Identifiers: Orphanet 276580, Orphanet 276603, MedGen C2931833, MONDO:0011153, OMIM 601820. Disease mechanism: loss of function.
Diabetes mellitus, permanent neonatal 2. Also called: KCNJ11-Related Permanent Neonatal Diabetes Mellitus. Identifiers: MedGen C5394296, MONDO:0030087, OMIM 618856.

Allele frequency attached by ClinVar (database versions not stated): ExAC 0.00001; gnomAD 0.00003; ESP Exome Variant Server 0.00008; TOPMed 0.00004.

Submissions (2):

Labcorp Genetics (formerly Invitae), Labcorp
Classification: Uncertain significance. Last evaluated: 2025-05-13. Review status: criteria provided, single submitter. Criteria: Invitae Variant Classification Sherloc (09022015). Collection method: clinical testing. Allele origin: germline.
Comment: This sequence change replaces valine, which is neutral and non-polar, with leucine, which is neutral and non-polar, at codon 219 of the KCNJ11 protein (p.Val219Leu). This variant is present in population databases (rs371633969, gnomAD 0.01%). This variant has not been reported in the literature in individuals affected with KCNJ11-related conditions. ClinVar contains an entry for this variant (Variation ID: 2169487). Invitae Evidence Modeling of protein sequence and biophysical properties (such as structural, functional, and spatial information, amino acid conservation, physicochemical variation, residue mobility, and thermodynamic stability) has been performed for this missense variant. However, the output from this modeling did not meet the statistical confidence thresholds required to predict the impact of this variant on KCNJ11 protein function. In summary, the available evidence is currently insufficient to determine the role of this variant in disease. Therefore, it has been classified as a Variant of Uncertain Significance.

Fulgent Genetics
Classification: Uncertain significance for Type 2 diabetes mellitus; Hyperinsulinemic hypoglycemia, familial, 2; Diabetes mellitus, transient neonatal, 3; Maturity-onset diabetes of the young type 13; Diabetes mellitus, permanent neonatal 2. Last evaluated: 2024-06-14. Review status: criteria provided, single submitter. Criteria: ACMG Guidelines, 2015. Collection method: clinical testing. Allele origin: germline.

NM_000525.4(KCNJ11):c.655G>T (p.Val219Leu)

Gene: KCNJ11 (potassium inwardly rectifying channel subfamily J member 11; minus strand). Cytogenetic location: 11p15.1.
Variant type: single nucleotide variant.
Coding change: c.655G>T on transcript NM_000525.4 (MANE Select); coding-DNA position 655, G replaced by T.
Protein change: p.Val219Leu; replaces valine 219 with leucine.
Molecular consequence: missense variant.
Genome position (GRCh38, 1-based): chr11:17,387,437, C>A on the plus strand (G>T on the coding strand, the complement: KCNJ11 is on the minus strand). VCF-style: chr11-17387437-C-A. GRCh37 (hg19) VCF-style: chr11-17408984-C-A.
Other names: c.394G>T, p.Val132Leu (NM_001166290.2, NM_001377296.1, NM_001377297.1); short protein forms V132L, V219L.
Identifiers: ClinVar variation 2169487 (VCV002169487.4), dbSNP rs371633969, ClinGen allele CA5902269.